The following is an entry in ClinVar:

NM_015378.4(VPS13D):c.7888A>C (p.Thr2630Pro)

Gene: VPS13D (vacuolar protein sorting 13 homolog D; plus strand). Cytogenetic location: 1p36.22.
Variant type: single nucleotide variant.
Coding change: c.7888A>C on transcript NM_015378.4 (MANE Select); coding-DNA position 7888, A replaced by C.
Protein change: p.Thr2630Pro; replaces threonine 2630 with proline.
Molecular consequence: missense variant.
Genome position (GRCh38, 1-based): chr1:12,322,719, A>C. VCF-style: chr1-12322719-A-C. GRCh37 (hg19) VCF-style: chr1-12382776-A-C.
Other names: c.7888A>C, p.Thr2630Pro (NM_018156.4); short protein forms T2630P.
Identifiers: ClinVar variation 1462724 (VCV001462724.6), dbSNP rs140773267, ClinGen allele CA602936.
Genomic context (GRCh38, chr1:12,322,719, plus strand): 5'-GACTCCGTTGGCACTTACCTTCCAGGTGCATCTCGCGTTGGAGAGGAAATCAGAGAAGGG[A>C]CAAGACACACCTTAGATCCTGTCTTGGGTAGGTGTTTAACTATAAAACCCACTCAGTCTT-3'
Protein context (NP_056193.2, residues 2620-2640): SRVGEEIREG[Thr2630Pro]RHTLDPVLEL

ClinVar aggregate classification (germline): Uncertain significance (1 of 4 stars; one submission).

Allele frequency attached by ClinVar (database versions not stated): ExAC 0.00005; gnomAD 0.00007 and 0.00008; ESP Exome Variant Server 0.00008; TOPMed 0.00011.
gnomAD v4.1: 18 of 1,614,080 alleles (0.0011%); highest among the groups gnomAD compares: African/African-American, 0.024%; no homozygotes.

Submission:

Labcorp Genetics (formerly Invitae), Labcorp
Classification: Uncertain significance. Last evaluated: 2022-06-13. Review status: criteria provided, single submitter. Criteria: Invitae Variant Classification Sherloc (09022015). Collection method: clinical testing. Allele origin: germline.
Comment: In summary, the available evidence is currently insufficient to determine the role of this variant in disease. Therefore, it has been classified as a Variant of Uncertain Significance. This sequence change replaces threonine, which is neutral and polar, with proline, which is neutral and non-polar, at codon 2630 of the VPS13D protein (p.Thr2630Pro). This variant is present in population databases (rs140773267, gnomAD 0.05%). This variant has not been reported in the literature in individuals affected with VPS13D-related conditions. Algorithms developed to predict the effect of missense changes on protein structure and function output the following: SIFT: "Not Available"; PolyPhen-2: "Benign"; Align-GVGD: "Not Available". The proline amino acid residue is found in multiple mammalian species, which suggests that this missense change does not adversely affect protein function.